The following is an entry in ClinVar:

NM_000143.4(FH):c.181A>C (p.Lys61Gln)

Gene: FH (fumarate hydratase; minus strand). Cytogenetic location: 1q43.
Variant type: single nucleotide variant.
Coding change: c.181A>C on transcript NM_000143.4 (MANE Select); coding-DNA position 181, A replaced by C.
Protein change: p.Lys61Gln; replaces lysine 61 with glutamine.
Molecular consequence: missense variant.
Genome position (GRCh38, 1-based): chr1:241,517,268, T>G on the plus strand (A>C on the coding strand, the complement: FH is on the minus strand). VCF-style: chr1-241517268-T-G. GRCh37 (hg19) VCF-style: chr1-241680568-T-G.
Other names: short protein forms K61Q.
Identifiers: ClinVar variation 957362 (VCV000957362.2), dbSNP rs1660244612, ClinGen allele CA345441912.

ClinVar aggregate classification (germline): Uncertain significance (1 of 4 stars; one submission).

Submission:

Labcorp Genetics (formerly Invitae), Labcorp
Classification: Uncertain significance. Last evaluated: 2025-12-22. Review status: criteria provided, single submitter. Criteria: Invitae Variant Classification Sherloc (09022015). Collection method: clinical testing. Allele origin: germline.
Comment: This sequence change replaces lysine, which is basic and polar, with glutamine, which is neutral and polar, at codon 61 of the FH protein (p.Lys61Gln). This variant is not present in population databases (gnomAD no frequency). This variant has not been reported in the literature in individuals affected with FH-related conditions. ClinVar contains an entry for this variant (Variation ID: 957362). Invitae Evidence Modeling of protein sequence and biophysical properties (such as structural, functional, and spatial information, amino acid conservation, physicochemical variation, residue mobility, and thermodynamic stability) indicates that this missense variant is not expected to disrupt FH protein function with a negative predictive value of 95%. In summary, the available evidence is currently insufficient to determine the role of this variant in disease. Therefore, it has been classified as a Variant of Uncertain Significance.